The following is an entry in ClinVar:

ClinVar aggregate classification (germline): Uncertain significance (1 of 4 stars; one submission).

Conditions:
Mucopolysaccharidosis type 7 (MPS7). Also called: MPS VII; BETA-GLUCURONIDASE DEFICIENCY; GUSB DEFICIENCY; SLY SYNDROME. Identifiers: Orphanet 584, MedGen C0085132, MONDO:0009662, OMIM 253220.

Submission:

Labcorp Genetics (formerly Invitae), Labcorp
Classification: Uncertain significance for Mucopolysaccharidosis type VII. Last evaluated: 2019-07-09. Review status: criteria provided, single submitter. Criteria: Invitae Variant Classification Sherloc (09022015). Collection method: clinical testing. Allele origin: germline.
Comment: This variant results in a copy number gain of the genomic region encompassing the full coding sequence of the GUSB gene. The boundaries of this event are unknown as they extend beyond the assayed region for this gene and therefore may encompass additional genes. As the precise location of this event is unknown, it may be in tandem or it may be located elsewhere in the genome. This variant has not been reported in the literature in individuals with GUSB-related conditions. In summary, the available evidence is currently insufficient to determine the role of this variant in disease. Therefore, it has been classified as a Variant of Uncertain Significance.

NC_000007.14:g.(?_65960877)_(65982203_?)dup

Gene: GUSB (glucuronidase beta; minus strand). Cytogenetic location: 7q11.21.
Variant type: Duplication.
Identifiers: ClinVar variation 830764 (VCV000830764.1).